The following is an entry in ClinVar:

ClinVar aggregate classification (germline): Uncertain significance. Review status: criteria provided, multiple submitters, no conflicts (2 of 4 stars). 2 submissions from 2 submitters: Uncertain significance (2). Last evaluated 2025-12-01.

Conditions:
Familial sleep-related hypermotor epilepsy. Also called: Autosomal Dominant Sleep-Related Hypermotor (Hyperkinetic) Epilepsy. Identifiers: Orphanet 98784, MedGen C3696898, MONDO:0000030.

Allele frequency attached by ClinVar (database versions not stated): gnomAD 0.00004 and 0.00003; ExAC 0.00006; gnomAD exomes 0.00002; TOPMed 0.00003.
gnomAD v4.1: 9 of 1,550,776 alleles (0.00058%); highest among the groups gnomAD compares: Admixed American, 0.0057%; no homozygotes.

Submissions (2):

Labcorp Genetics (formerly Invitae), Labcorp
Classification: Uncertain significance. Last evaluated: 2025-12-01. Review status: criteria provided, single submitter. Criteria: Invitae Variant Classification Sherloc (09022015). Collection method: clinical testing. Allele origin: germline.
Comment: This sequence change replaces alanine, which is neutral and non-polar, with threonine, which is neutral and polar, at codon 373 of the CHRNB2 protein (p.Ala373Thr). The frequency data for this variant in the population databases is considered unreliable, as metrics indicate poor data quality at this position in the gnomAD database. This variant has not been reported in the literature in individuals affected with CHRNB2-related conditions. ClinVar contains an entry for this variant (Variation ID: 420992). Invitae Evidence Modeling of protein sequence and biophysical properties (such as structural, functional, and spatial information, amino acid conservation, physicochemical variation, residue mobility, and thermodynamic stability) indicates that this missense variant is not expected to disrupt CHRNB2 protein function with a negative predictive value of 80%. In summary, the available evidence is currently insufficient to determine the role of this variant in disease. Therefore, it has been classified as a Variant of Uncertain Significance.

GeneDx
Classification: Uncertain significance. Last evaluated: 2017-03-10. Review status: criteria provided, single submitter. Criteria: GeneDx Variant Classification (06012015). Collection method: clinical testing. Allele origin: germline. Affected: yes.
Comment: A variant of uncertain significance has been identified in the CHRNB2 gene. The A373T variant has not been published as a pathogenic variant, nor has it been reported as a benign variant to our knowledge. It was not observed in approximately 6,100 individuals of European and African American ancestry in the NHLBI Exome Sequencing Project and was not observed with any significant frequency in the 1000 Genomes Project. The A373T variant is a non-conservative amino acid substitution, which is likely to impact secondary protein structure as these residues differ in polarity, charge, size and/or other properties. However, this substitution occurs at a position that is not conserved, and in silico analysis predicts this variant likely does not alter the protein structure/function. Additionally, this amino acid substitution is not predicted to occur within the transmembrane region of the protein, where the vast majority of pathogenic missense variants have been identified in association with epilepsy (Steinlein et al., 2010). Therefore, based on the currently available information, it is unclear whether this variant is a pathogenic variant or a rare benign variant.

NM_000748.3(CHRNB2):c.1117G>A (p.Ala373Thr)

Gene: CHRNB2 (cholinergic receptor nicotinic beta 2 subunit; plus strand). Cytogenetic location: 1q21.3.
Variant type: single nucleotide variant.
Coding change: c.1117G>A on transcript NM_000748.3 (MANE Select); coding-DNA position 1117, G replaced by A.
Protein change: p.Ala373Thr; replaces alanine 373 with threonine.
Molecular consequence: missense variant.
Genome position (GRCh38, 1-based): chr1:154,571,940, G>A. VCF-style: chr1-154571940-G-A. GRCh37 (hg19) VCF-style: chr1-154544416-G-A.
Other names: short protein forms A373T.
Identifiers: ClinVar variation 420992 (VCV000420992.11), dbSNP rs778714852, ClinGen allele CA1130833.